The following is an entry in ClinVar:

ClinVar aggregate classification (germline): Likely benign (1 of 4 stars; one submission).

Conditions:
Bartter disease type 1. Also called: HYPERPROSTAGLANDIN E SYNDROME 1; HYPOKALEMIC ALKALOSIS WITH HYPERCALCIURIA 1, ANTENATAL; Bartter Syndrome type 1; Bartter syndrome, type 1, antenatal. Identifiers: Orphanet 112, Orphanet 620217, MedGen C1866495, MONDO:0100344, OMIM 601678, MONDO:0011127.

Allele frequency attached by ClinVar (database versions not stated): gnomAD 0.00001 and 0.00005; TOPMed 0.00001; gnomAD exomes 0.00014; 1000 Genomes Project 30x 0.00047; 1000 Genomes Project 0.00060.
gnomAD v4.1: 169 of 1,342,906 alleles (0.013%); highest among the groups gnomAD compares: East Asian, 0.42%; no homozygotes.

Submission:

Illumina Laboratory Services, Illumina
Classification: Likely benign for Bartter disease type 1. Last evaluated: 2018-01-12. Review status: criteria provided, single submitter. Criteria: ICSL Variant Classification Criteria 13 December 2019. Collection method: clinical testing. Allele origin: germline.
Comment: This variant was observed in the ICSL laboratory as part of a predisposition screen in an ostensibly healthy population. It had not been previously curated by ICSL or reported in the Human Gene Mutation Database (HGMD: prior to June 1st, 2018), and was therefore a candidate for classification through an automated scoring system. Utilizing variant allele frequency, disease prevalence and penetrance estimates, and inheritance mode, an automated score was calculated to assess if this variant is too frequent to cause the disease. Based on the score and internal cut-off values, a variant classified as likely benign is not then subjected to further curation. The score for this variant resulted in a classification of likely benign for this disease.

NM_000338.3(SLC12A1):c.-68G>T

Gene: SLC12A1 (solute carrier family 12 member 1; plus strand). Cytogenetic location: 15q21.1.
Variant type: single nucleotide variant.
Coding change: c.-68G>T on transcript NM_000338.3 (MANE Select); 68 bases upstream of the start codon, G replaced by T.
Molecular consequence: 5 prime UTR variant.
Genome position (GRCh38, 1-based): chr15:48,207,652, G>T. VCF-style: chr15-48207652-G-T. GRCh37 (hg19) VCF-style: chr15-48499849-G-T.
Other names: c.-68G>T (NM_001184832.2).
Identifiers: ClinVar variation 886273 (VCV000886273.4), dbSNP rs146990469, ClinGen allele CA269495066.